The following is an entry in ClinVar:

NM_145068.4(TRPV3):c.*2068A>G

Genes: SPATA22 (spermatogenesis associated 22; minus strand), TRPV3 (transient receptor potential cation channel subfamily V member 3; minus strand). Cytogenetic location: 17p13.2.
Variant type: single nucleotide variant.
Coding change: c.*2068A>G on transcript NM_145068.4 (MANE Select); 2068 bases downstream of the stop codon, A replaced by G.
Molecular consequence: 3 prime UTR variant. On other transcripts: intron variant (2).
Genome position (GRCh38, 1-based): chr17:3,511,849, T>C on the plus strand (A>G on the coding strand, the complement: TRPV3 is on the minus strand). VCF-style: chr17-3511849-T-C. GRCh37 (hg19) VCF-style: chr17-3415143-T-C.
Other names: c.*2068A>G (NM_001258205.2); c.-74+1563A>G (NM_001321336.2, NM_001321337.2).
Identifiers: ClinVar variation 322704 (VCV000322704.7), dbSNP rs143685899, ClinGen allele CA10649035.
Genomic context (GRCh38, chr17:3,511,849, plus strand): 5'-GCAACTCTGGATACGGCTTTATCCATAACAGATACGGCTTTATCCATTAATGGATATGAC[T>C]TTCTCCATTAATATCTGAGTCAAAGCAATTCTGGAATTCCCAGCTCCATAGTGTGGAGCT-3'

ClinVar aggregate classification (germline): Benign (1 of 4 stars; one submission).

Conditions:
Isolated focal non-epidermolytic palmoplantar keratoderma. Also called: Palmoplantar keratoderma, nonepidermolytic, focal 2. Identifiers: Orphanet 448264, MedGen C4225339, MONDO:0014622, OMIM 616400.

Allele frequency attached by ClinVar (database versions not stated): 1000 Genomes Project 30x 0.00250; TOPMed 0.00477; gnomAD 0.00440 and 0.00478; 1000 Genomes Project 0.00240.

Submission:

Illumina Laboratory Services, Illumina
Classification: Benign for Isolated focal non-epidermolytic palmoplantar keratoderma. Last evaluated: 2018-01-13. Review status: criteria provided, single submitter. Criteria: ICSL Variant Classification Criteria 13 December 2019. Collection method: clinical testing. Allele origin: germline.
Comment: This variant was observed in the ICSL laboratory as part of a predisposition screen in an ostensibly healthy population. It had not been previously curated by ICSL or reported in the Human Gene Mutation Database (HGMD: prior to June 1st, 2018), and was therefore a candidate for classification through an automated scoring system. Utilizing variant allele frequency, disease prevalence and penetrance estimates, and inheritance mode, an automated score was calculated to assess if this variant is too frequent to cause the disease. Based on the score and internal cut-off values, a variant classified as benign is not then subjected to further curation. The score for this variant resulted in a classification of benign for this disease.